The following is an entry in ClinVar:

NM_052874.5(STX1B):c.733C>T (p.Arg245Ter)

Gene: STX1B (syntaxin 1B; minus strand). Cytogenetic location: 16p11.2.
Variant type: single nucleotide variant.
Coding change: c.733C>T on transcript NM_052874.5 (MANE Select); coding-DNA position 733, C replaced by T.
Protein change: p.Arg245Ter; replaces arginine 245 with a stop codon.
Molecular consequence: nonsense.
Genome position (GRCh38, 1-based): chr16:30,993,183, G>A on the plus strand (C>T on the coding strand, the complement: STX1B is on the minus strand). VCF-style: chr16-30993183-G-A. GRCh37 (hg19) VCF-style: chr16-31004504-G-A.
Other names: short protein forms R245*.
Identifiers: ClinVar variation 590057 (VCV000590057.16), dbSNP rs780843272, ClinGen allele CA395646823.

ClinVar aggregate classification (germline): Pathogenic. Review status: criteria provided, multiple submitters, no conflicts (2 of 4 stars). 6 submissions from 6 submitters: Pathogenic (6). Last evaluated 2025-12-31.

Conditions:
Inborn genetic diseases. Identifiers: MedGen C0950123, MeSH D030342.
Generalized epilepsy with febrile seizures plus, type 9 (GEFSP9). Also called: GEFS+, TYPE 9. Identifiers: Orphanet 36387, MedGen C4015395, MONDO:0014517, OMIM 616172.

Allele frequency attached by ClinVar (database versions not stated): gnomAD exomes below 0.00001.
gnomAD v4.1: 1 of 1,614,174 alleles (0.000062%); highest among the groups gnomAD compares: Non-Finnish European, 0.000085%; no homozygotes.

Submissions (6):

Women's Health and Genetics/Laboratory Corporation of America, LabCorp
Classification: Pathogenic for Generalized epilepsy with febrile seizures plus, type 9. Last evaluated: 2025-12-31. Review status: criteria provided, single submitter. Criteria: LabCorp Variant Classification Summary - May 2015. Collection method: clinical testing. Allele origin: germline.
Comment: Variant summary: STX1B c.733C>T (p.Arg245X) results in a premature termination codon, predicted to cause a truncation of the encoded protein or absence of the protein due to nonsense mediated decay, which are commonly known mechanisms for disease. The variant was absent in 251458 control chromosomes. c.733C>T has been observed in individual(s) affected with Generalized Epilepsy With Febrile Seizures, including at least one de novo occurrence (e.g. Burghardt_2021). To our knowledge, no experimental evidence demonstrating an impact on protein function has been reported. The following publication has been ascertained in the context of this evaluation (PMID: 33426515). ClinVar contains an entry for this variant (Variation ID: 590057). Based on the evidence outlined above, the variant was classified as pathogenic.

GeneDx
Classification: Pathogenic. Last evaluated: 2025-07-25. Review status: criteria provided, single submitter. Criteria: GeneDx Variant Classification Process June 2021. Collection method: clinical testing. Allele origin: germline. Affected: yes.
Comment: Nonsense variant predicted to result in protein truncation, as the last 44 amino acid(s) are lost, and other loss-of-function variants have been reported downstream in HGMD; Not observed in large population cohorts (gnomAD); This variant is associated with the following publications: (PMID: 30737342, 33426515)

Labcorp Genetics (formerly Invitae), Labcorp
Classification: Pathogenic for Generalized epilepsy with febrile seizures plus, type 9. Last evaluated: 2024-05-15. Review status: criteria provided, single submitter. Criteria: Invitae Variant Classification Sherloc (09022015). Collection method: clinical testing. Allele origin: germline.
Comment: This sequence change creates a premature translational stop signal (p.Arg245*) in the STX1B gene. It is expected to result in an absent or disrupted protein product. Loss-of-function variants in STX1B are known to be pathogenic (PMID: 25362483). This variant is not present in population databases (gnomAD no frequency). This premature translational stop signal has been observed in individual(s) with clinical features of STX1B-related conditions (PMID: 30737342). ClinVar contains an entry for this variant (Variation ID: 590057). For these reasons, this variant has been classified as Pathogenic.

Institute for Clinical Genetics, University Hospital TU Dresden, University Hospital TU Dresden
Classification: Pathogenic. Last evaluated: 2022-07-06. Review status: criteria provided, single submitter. Criteria: ACMG Guidelines, 2015. Collection method: clinical testing. Allele origin: germline.
Comment: PVS1, PS4, PM2_SUP

3billion
Classification: Pathogenic for Generalized epilepsy with febrile seizures plus, type 9. Last evaluated: 2022-05-22. Review status: criteria provided, single submitter. Criteria: ACMG Guidelines, 2015. Collection method: clinical testing. Allele origin: germline. Affected: yes. Observed: 1 heterozygote.
Comment: The variant is not observed in the gnomAD v2.1.1 dataset. Stop-gained (nonsense): predicted to result in a loss or disruption of normal protein function through nonsense-mediated decay (NMD) or protein truncation. Multiple pathogenic variants are reported downstream of the variant. The variant has been reported at least twice as pathogenic without evidence for the classification (ClinVar ID: VCV000590057). Therefore, this variant is classified as pathogenic according to the recommendation of ACMG/AMP guideline.

Ambry Genetics
Classification: Pathogenic for Inborn genetic diseases. Last evaluated: 2017-02-01. Review status: criteria provided, single submitter. Criteria: Ambry Variant Classification Scheme 2023. Collection method: clinical testing. Allele origin: germline.
Comment: The p.R245* pathogenic mutation (also known as c.733C>T), located in coding exon 9 of the STX1B gene, results from a C to T substitution at nucleotide position 733. This changes the amino acid from an arginine to a stop codon within coding exon 9. This alteration is expected to result in loss of function by premature protein truncation or nonsense-mediated mRNA decay. As such, this alteration is interpreted as a disease-causing mutation.

Literature cited by the submitters: PubMed 33426515 (cited by Women's Health and Genetics/Laboratory Corporation of America, LabCorp); PubMed 25362483 (cited by Labcorp Genetics (formerly Invitae), Labcorp); PubMed 30737342 (cited by Labcorp Genetics (formerly Invitae), Labcorp).